The following is an entry in ClinVar:

ClinVar aggregate classification (germline): Uncertain significance (1 of 4 stars; one submission).

Allele frequency attached by ClinVar (database versions not stated): gnomAD exomes below 0.00001; ExAC 0.00001.
gnomAD v4.1: 1 of 1,614,104 alleles (0.000062%); highest among the groups gnomAD compares: Non-Finnish European, 0.000085%; no homozygotes.

Submission:

Labcorp Genetics (formerly Invitae), Labcorp
Classification: Uncertain significance. Last evaluated: 2022-02-03. Review status: criteria provided, single submitter. Criteria: Invitae Variant Classification Sherloc (09022015). Collection method: clinical testing. Allele origin: germline.
Comment: This variant is present in population databases (rs771161261, gnomAD 0.0009%). This variant has not been reported in the literature in individuals affected with ZNF513-related conditions. ClinVar contains an entry for this variant (Variation ID: 844742). Algorithms developed to predict the effect of missense changes on protein structure and function are either unavailable or do not agree on the potential impact of this missense change (SIFT: "Deleterious"; PolyPhen-2: "Benign"; Align-GVGD: "Class C0"). This sequence change replaces alanine, which is neutral and non-polar, with valine, which is neutral and non-polar, at codon 527 of the ZNF513 protein (p.Ala527Val). In summary, the available evidence is currently insufficient to determine the role of this variant in disease. Therefore, it has been classified as a Variant of Uncertain Significance.

NM_144631.6(ZNF513):c.1580C>T (p.Ala527Val)

Gene: ZNF513 (zinc finger protein 513; minus strand). Cytogenetic location: 2p23.3.
Variant type: single nucleotide variant.
Coding change: c.1580C>T on transcript NM_144631.6 (MANE Select); coding-DNA position 1580, C replaced by T.
Protein change: p.Ala527Val; replaces alanine 527 with valine.
Molecular consequence: missense variant.
Genome position (GRCh38, 1-based): chr2:27,377,591, G>A on the plus strand (C>T on the coding strand, the complement: ZNF513 is on the minus strand). VCF-style: chr2-27377591-G-A. GRCh37 (hg19) VCF-style: chr2-27600458-G-A.
Other names: c.1394C>T, p.Ala465Val (NM_001201459.2); short protein forms A527V, A465V.
Identifiers: ClinVar variation 844742 (VCV000844742.9), dbSNP rs771161261, ClinGen allele CA1577770.